The following is an entry in ClinVar:

ClinVar aggregate classification (germline): Benign. Review status: criteria provided, multiple submitters, no conflicts (2 of 4 stars). 8 submissions from 8 submitters: Benign (8). Last evaluated 2026-02-04.

Conditions:
Cone dystrophy with supernormal rod response (CDSRR). Also called: CONE DYSTROPHY WITH SUPERNORMAL ROD RESPONSES. Identifiers: Orphanet 209932, MedGen C1835897, MONDO:0012475, OMIM 610356.

Allele frequency attached by ClinVar (database versions not stated): ESP Exome Variant Server 0.58796; gnomAD 0.59972 and 0.60295; ExAC 0.61159; TOPMed 0.61755; gnomAD exomes 0.61814; 1000 Genomes Project 30x 0.65865; 1000 Genomes Project 0.66034.
gnomAD v4.1: 933,905 of 1,613,780 alleles (58%); highest among the groups gnomAD compares: East Asian, 81%; 273,511 homozygotes.

Submissions (8):

Labcorp Genetics (formerly Invitae), Labcorp
Classification: Benign. Last evaluated: 2026-02-04. Review status: criteria provided, single submitter. Criteria: Invitae Variant Classification Sherloc (09022015). Collection method: clinical testing. Allele origin: germline.

Blueprint Genetics
Classification: Benign. Last evaluated: 2024-11-27. Review status: criteria provided, single submitter. Criteria: ACMG Guidelines, 2015. Collection method: clinical testing. Allele origin: germline.

Genome-Nilou Lab
Classification: Benign for Cone dystrophy with supernormal rod response. Last evaluated: 2021-08-19. Review status: criteria provided, single submitter. Criteria: ACMG Guidelines, 2015. Collection method: clinical testing. Allele origin: germline. Affected: no.

GeneDx
Classification: Benign. Last evaluated: 2020-07-10. Review status: criteria provided, single submitter. Criteria: GeneDx Variant Classification Process June 2021. Collection method: clinical testing. Allele origin: germline. Affected: yes.

Illumina Laboratory Services, Illumina
Classification: Benign for Cone dystrophy with supernormal rod response. Last evaluated: 2018-01-12. Review status: criteria provided, single submitter. Criteria: ICSL Variant Classification Criteria 13 December 2019. Collection method: clinical testing. Allele origin: germline.
Comment: This variant was observed in the ICSL laboratory as part of a predisposition screen in an ostensibly healthy population. It had not been previously curated by ICSL or reported in the Human Gene Mutation Database (HGMD: prior to June 1st, 2018), and was therefore a candidate for classification through an automated scoring system. Utilizing variant allele frequency, disease prevalence and penetrance estimates, and inheritance mode, an automated score was calculated to assess if this variant is too frequent to cause the disease. Based on the score and internal cut-off values, a variant classified as benign is not then subjected to further curation. The score for this variant resulted in a classification of benign for this disease.

Eurofins Ntd Llc (ga)
Classification: Benign. Last evaluated: 2014-06-10. Review status: criteria provided, single submitter. Criteria: EGL Classification Definitions 2015. Collection method: clinical testing. Allele origin: germline. Observed: 3 variant alleles, 2 heterozygotes, 1 homozygote.

Breakthrough Genomics
Classification: Benign. Review status: criteria provided, single submitter. Criteria: ACMG Guidelines, 2015. Collection method: not provided. Allele origin: germline. Inheritance: Autosomal recessive inheritance. Affected: yes.

PreventionGenetics, part of Exact Sciences
Classification: Benign. Review status: criteria provided, single submitter. Criteria: ACMG Guidelines, 2015. Collection method: clinical testing. Allele origin: germline.

NM_133497.4(KCNV2):c.183C>G (p.Gly61=)

Gene: KCNV2 (potassium voltage-gated channel modifier subfamily V member 2; plus strand). Cytogenetic location: 9p24.2.
Variant type: single nucleotide variant.
Coding change: c.183C>G on transcript NM_133497.4 (MANE Select); coding-DNA position 183, C replaced by G.
Protein change: p.Gly61=; no amino-acid change (glycine 61 retained).
Molecular consequence: synonymous variant.
Genome position (GRCh38, 1-based): chr9:2,717,922, C>G. VCF-style: chr9-2717922-C-G. GRCh37 (hg19) VCF-style: chr9-2717922-C-G.
Identifiers: ClinVar variation 96357 (VCV000096357.23), dbSNP rs10967705, ClinGen allele CA149457.
Genomic context (GRCh38, chr9:2,717,922, plus strand): 5'-CAGCATCCACGGCTGGACAGAGGGCAACTATAACTACTACATCGAGGAAGACGAAGACGG[C>G]GAGGAGGAGGACCAGTGGAAGGACGACCTGGCAGAAGAGGACCAGCAGGCAGGGGAGGTC-3'
Protein context (NP_598004.1, residues 51-71): YNYYIEEDED[Gly61=]EEEDQWKDDL